The following is an entry in ClinVar:

NM_002951.5(RPN2):c.673G>A (p.Glu225Lys)

Gene: RPN2 (ribophorin II; plus strand). Cytogenetic location: 20q11.23.
Variant type: single nucleotide variant.
Coding change: c.673G>A on transcript NM_002951.5 (MANE Select); coding-DNA position 673, G replaced by A.
Protein change: p.Glu225Lys; replaces glutamic acid 225 with lysine.
Molecular consequence: missense variant.
Genome position (GRCh38, 1-based): chr20:37,204,884, G>A. VCF-style: chr20-37204884-G-A. GRCh37 (hg19) VCF-style: chr20-35833287-G-A.
Other names: c.577G>A, p.Glu193Lys (NM_001135771.3); c.673G>A, p.Glu225Lys (NM_001324299.2, NM_001324302.2, NM_001324303.2 and 1 more transcripts); c.721G>A, p.Glu241Lys (NM_001324301.2, NM_001324305.2); c.202G>A, p.Glu68Lys (NM_001324306.2); short protein forms E193K, E225K, E241K, E68K.
Identifiers: ClinVar variation 2164090 (VCV002164090.4), dbSNP rs2515747089, ClinGen allele CA408843901.

ClinVar aggregate classification (germline): Uncertain significance (1 of 4 stars; one submission).

Conditions:
Congenital disorder of glycosylation (CDG). Also called: Congenital disorders of glycosylation; Carbohydrate-deficient glycoprotein syndrome. Identifiers: Orphanet 137, MedGen C0282577, MONDO:0015286.

Allele frequency attached by ClinVar (database versions not stated): gnomAD exomes below 0.00001.
gnomAD v4.1: 1 of 1,614,158 alleles (0.000062%); highest among the groups gnomAD compares: Non-Finnish European, 0.000085%; no homozygotes.

Submission:

Labcorp Genetics (formerly Invitae), Labcorp
Classification: Uncertain significance for Congenital disorder of glycosylation. Last evaluated: 2022-04-19. Review status: criteria provided, single submitter. Criteria: Invitae Variant Classification Sherloc (09022015). Collection method: clinical testing. Allele origin: germline.
Comment: In summary, the available evidence is currently insufficient to determine the role of this variant in disease. Therefore, it has been classified as a Variant of Uncertain Significance. Algorithms developed to predict the effect of missense changes on protein structure and function are either unavailable or do not agree on the potential impact of this missense change (SIFT: "Not Available"; PolyPhen-2: "Possibly Damaging"; Align-GVGD: "Not Available"). This variant has not been reported in the literature in individuals affected with RPN2-related conditions. This variant is not present in population databases (gnomAD no frequency). This sequence change replaces glutamic acid, which is acidic and polar, with lysine, which is basic and polar, at codon 225 of the RPN2 protein (p.Glu225Lys).